The following is an entry in ClinVar:

NM_033004.4(NLRP1):c.943A>G (p.Arg315Gly)

Gene: NLRP1 (NLR family pyrin domain containing 1; minus strand). Cytogenetic location: 17p13.2.
Variant type: single nucleotide variant.
Coding change: c.943A>G on transcript NM_033004.4 (MANE Select); coding-DNA position 943, A replaced by G.
Protein change: p.Arg315Gly; replaces arginine 315 with glycine.
Molecular consequence: missense variant.
Genome position (GRCh38, 1-based): chr17:5,559,753, T>C on the plus strand (A>G on the coding strand, the complement: NLRP1 is on the minus strand). VCF-style: chr17-5559753-T-C. GRCh37 (hg19) VCF-style: chr17-5463073-T-C.
Other names: c.943A>G, p.Arg315Gly (NM_001033053.3, NM_014922.5, NM_033006.4 and 1 more transcripts); c.943A>G (NM_033004.3); short protein forms R315G.
Identifiers: ClinVar variation 1488926 (VCV001488926.9), dbSNP rs2151803259, ClinGen allele CA397387549.

ClinVar aggregate classification (germline): Conflicting classifications of pathogenicity. Review status: criteria provided, conflicting classifications (1 of 4 stars). 2 submissions from 2 submitters: Uncertain significance (1); Likely benign (1). Last evaluated 2025-08-24.

Conditions:
Inborn genetic diseases. Identifiers: MedGen C0950123, MeSH D030342.

Submissions (2):

Ambry Genetics
Classification: Likely benign for Inborn genetic diseases. Last evaluated: 2025-08-24. Review status: criteria provided, single submitter. Criteria: Ambry Variant Classification Scheme 2023. Collection method: clinical testing. Allele origin: germline.

Labcorp Genetics (formerly Invitae), Labcorp
Classification: Uncertain significance. Last evaluated: 2021-07-28. Review status: criteria provided, single submitter. Criteria: Invitae Variant Classification Sherloc (09022015). Collection method: clinical testing. Allele origin: germline.
Comment: In summary, the available evidence is currently insufficient to determine the role of this variant in disease. Therefore, it has been classified as a Variant of Uncertain Significance. Algorithms developed to predict the effect of missense changes on protein structure and function output the following: SIFT: "Tolerated"; PolyPhen-2: "Benign"; Align-GVGD: "Class C0". The glycine amino acid residue is found in multiple mammalian species, suggesting that this missense change does not adversely affect protein function. These predictions have not been confirmed by published functional studies and their clinical significance is uncertain. This variant has not been reported in the literature in individuals with NLRP1-related conditions. This variant is not present in population databases (ExAC no frequency). This sequence change replaces arginine with glycine at codon 315 of the NLRP1 protein (p.Arg315Gly). The arginine residue is weakly conserved and there is a moderate physicochemical difference between arginine and glycine.